The following is an entry in ClinVar:

NM_005076.5(CNTN2):c.478C>A (p.His160Asn)

Gene: CNTN2 (contactin 2; plus strand). Cytogenetic location: 1q32.1.
Variant type: single nucleotide variant.
Coding change: c.478C>A on transcript NM_005076.5 (MANE Select); coding-DNA position 478, C replaced by A.
Protein change: p.His160Asn; replaces histidine 160 with asparagine.
Molecular consequence: missense variant. On other transcripts: non-coding transcript variant (1).
Genome position (GRCh38, 1-based): chr1:205,058,654, C>A. VCF-style: chr1-205058654-C-A. GRCh37 (hg19) VCF-style: chr1-205027782-C-A.
Other names: c.478C>A, p.His160Asn (NM_001346083.2); short protein forms H160N.
Identifiers: ClinVar variation 1379396 (VCV001379396.6), dbSNP rs2151189694, ClinGen allele CA344406175.
Genomic context (GRCh38, chr1:205,058,654, plus strand): 5'-CGAGACCCAGTGAAAGCTCATGAAGGCTGGGGGGTGATGTTGCCCTGTAACCCACCTGCC[C>A]ACTACCCAGGTGAGTCCAGACCTGGGGCCAGGGTTAGAGAGGGCACAGGAAGGGCTTCCA-3'
Protein context (NP_005067.1, residues 150-170): GVMLPCNPPA[His160Asn]YPGLSYRWLL

ClinVar aggregate classification (germline): Uncertain significance (1 of 4 stars; one submission).

Conditions:
Epilepsy, familial adult myoclonic, 5 (EPEO5). Also called: CORTICAL MYOCLONIC TREMOR WITH EPILEPSY, FAMILIAL, 5. Identifiers: Orphanet 86814, MedGen C3809374, MONDO:0014167, OMIM 615400.

Submission:

Labcorp Genetics (formerly Invitae), Labcorp
Classification: Uncertain significance for Epilepsy, familial adult myoclonic, 5. Last evaluated: 2024-05-15. Review status: criteria provided, single submitter. Criteria: Invitae Variant Classification Sherloc (09022015). Collection method: clinical testing. Allele origin: germline.
Comment: This sequence change replaces histidine, which is basic and polar, with asparagine, which is neutral and polar, at codon 160 of the CNTN2 protein (p.His160Asn). This variant is not present in population databases (gnomAD no frequency). This variant has not been reported in the literature in individuals affected with CNTN2-related conditions. ClinVar contains an entry for this variant (Variation ID: 1379396). Advanced modeling of protein sequence and biophysical properties (such as structural, functional, and spatial information, amino acid conservation, physicochemical variation, residue mobility, and thermodynamic stability) performed at Invitae indicates that this missense variant is not expected to disrupt CNTN2 protein function with a negative predictive value of 95%. In summary, the available evidence is currently insufficient to determine the role of this variant in disease. Therefore, it has been classified as a Variant of Uncertain Significance.